The following is an entry in ClinVar:

NM_004329.3(BMPR1A):c.1138G>T (p.Asp380Tyr)

Gene: BMPR1A (bone morphogenetic protein receptor type 1A; plus strand). Cytogenetic location: 10q23.2.
Variant type: single nucleotide variant.
Coding change: c.1138G>T on transcript NM_004329.3 (MANE Select); coding-DNA position 1138, G replaced by T.
Protein change: p.Asp380Tyr; replaces aspartic acid 380 with tyrosine.
Molecular consequence: missense variant. On other transcripts: non-coding transcript variant (3).
Genome position (GRCh38, 1-based): chr10:86,919,441, G>T. VCF-style: chr10-86919441-G-T. GRCh37 (hg19) VCF-style: chr10-88679198-G-T.
Other names: c.1138G>T, p.Asp380Tyr (NM_001406575.1, NM_001406576.1, NM_001406577.1 and 19 more transcripts); c.1132G>T, p.Asp378Tyr (NM_001406583.1); c.1213G>T, p.Asp405Tyr (NM_001406559.1); c.1186G>T, p.Asp396Tyr (NM_001406560.1); c.1054G>T, p.Asp352Tyr (NM_001406584.1, NM_001406585.1, NM_001406586.1 and 2 more transcripts); c.796G>T, p.Asp266Tyr (NM_001406589.1); short protein forms D378Y, D380Y, D266Y, D352Y, D396Y, D405Y.
Identifiers: ClinVar variation 3664751 (VCV003664751.2).
Genomic context (GRCh38, chr10:86,919,441, plus strand): 5'-CATCGAGACCTAAAGAGCAAAAACATCCTCATCAAGAAAAATGGGAGTTGCTGCATTGCT[G>T]ACCTGGGCCTTGCTGTTAAATTCAACAGGTGAGTGGTTCTTTGCCCCACTGTTTTGAAAT-3'
Protein context (NP_004320.2, residues 370-390): IKKNGSCCIA[Asp380Tyr]LGLAVKFNSD

ClinVar aggregate classification (germline): Uncertain significance (1 of 4 stars; one submission).

Conditions:
Juvenile polyposis syndrome (JPS). Identifiers: Orphanet 2929, MedGen C0345893, MONDO:0017380, OMIM 174900.

Submission:

Labcorp Genetics (formerly Invitae), Labcorp
Classification: Uncertain significance for Juvenile polyposis syndrome. Last evaluated: 2024-12-26. Review status: criteria provided, single submitter. Criteria: Invitae Variant Classification Sherloc (09022015). Collection method: clinical testing. Allele origin: germline.
Comment: This sequence change replaces aspartic acid, which is acidic and polar, with tyrosine, which is neutral and polar, at codon 380 of the BMPR1A protein (p.Asp380Tyr). This variant is not present in population databases (gnomAD no frequency). This variant has not been reported in the literature in individuals affected with BMPR1A-related conditions. Invitae Evidence Modeling of protein sequence and biophysical properties (such as structural, functional, and spatial information, amino acid conservation, physicochemical variation, residue mobility, and thermodynamic stability) has been performed for this missense variant. However, the output from this modeling did not meet the statistical confidence thresholds required to predict the impact of this variant on BMPR1A protein function. In summary, the available evidence is currently insufficient to determine the role of this variant in disease. Therefore, it has been classified as a Variant of Uncertain Significance.